The following is an entry in ClinVar:

ClinVar aggregate classification (germline): Pathogenic/Likely pathogenic. Review status: criteria provided, multiple submitters, no conflicts (2 of 4 stars). 2 submissions from 2 submitters: Pathogenic (1); Likely pathogenic (1). Last evaluated 2019-05-28.

Conditions:
Severe myoclonic epilepsy in infancy (DRVT). Also called: Epileptic encephalopathy, early infantile, 6 (Dravet syndrome); SEVERE MYOCLONIC EPILEPSY OF INFANCY; Dravet syndrome; DEVELOPMENTAL AND EPILEPTIC ENCEPHALOPATHY 6A; Severe Myoclonic Epilepsy in Infancy (SMEI). Identifiers: Orphanet 33069, MedGen C0751122, MONDO:0100135, OMIM 607208.

Submissions (2):

Mendelics
Classification: Likely pathogenic for Severe myoclonic epilepsy in infancy. Last evaluated: 2019-05-28. Review status: criteria provided, single submitter. Criteria: Mendelics Assertion Criteria 2017. Collection method: clinical testing. Allele origin: unknown.

GeneDx
Classification: Pathogenic. Last evaluated: 2016-09-14. Review status: criteria provided, single submitter. Criteria: GeneDx Variant Classification (06012015). Collection method: clinical testing. Allele origin: germline. Affected: yes.
Comment: An apparently de novo R118S pathogenic variant has been identified in the SCN1A gene. A different nucleotide substitution (c.354 G>C) resulting in the same amino acid substitution (R118S) has been reported previously as a de novo pathogenic variant in an individual with severe myoclonic epilepsy of infancy (Zucca et al., 2008). R118S was not observed in approximately 6,500 individuals of European and African American ancestry in the NHLBI Exome Sequencing Project, indicating it is not a common benign variant in these populations. The R118S variant is a semi-conservative amino acid substitution, which may impact secondary protein structure as these residues differ in some properties. Additionally, this substitution alters a highly conserved position predicted to be within the N-terminal domain of the SCN1A protein. Furthermore, in silico analysis predicts this variant is probably damaging to the protein structure/function. A missense variant in a nearby residue (P113T) has been reported in the Human Gene Mutation Database in association with an SCN1A-related disorder (Stenson et al., 2014). Therefore, we now interpret R118S as a pathogenic variant.

NM_001165963.4(SCN1A):c.354G>T (p.Arg118Ser)

Gene: SCN1A (sodium voltage-gated channel alpha subunit 1; minus strand). Cytogenetic location: 2q24.3.
Variant type: single nucleotide variant.
Coding change: c.354G>T on transcript NM_001165963.4 (MANE Select); coding-DNA position 354, G replaced by T.
Protein change: p.Arg118Ser; replaces arginine 118 with serine.
Molecular consequence: missense variant. On other transcripts: 5 prime UTR variant (1), non-coding transcript variant (1).
Genome position (GRCh38, 1-based): chr2:166,058,599, C>A on the plus strand (G>T on the coding strand, the complement: SCN1A is on the minus strand). VCF-style: chr2-166058599-C-A. GRCh37 (hg19) VCF-style: chr2-166915109-C-A.
Other names: c.354G>T, p.Arg118Ser (NM_001165964.3, NM_001202435.3, NM_001353948.2 and 10 more transcripts); c.-2072G>T (NM_001353961.2); short protein forms R118S.
Identifiers: ClinVar variation 280476 (VCV000280476.3), dbSNP rs121917959, ClinGen allele CA10602815.